The following is an entry in ClinVar:

ClinVar aggregate classification (germline): Benign. Review status: criteria provided, multiple submitters, no conflicts (2 of 4 stars). 3 submissions from 3 submitters: Benign (3). Last evaluated 2026-01-19.

Conditions:
Paroxysmal nonkinesigenic dyskinesia. Also called: Paroxysmal non-kinesigenic dyskinesia. Identifiers: Orphanet 98810, MedGen C1869117, MONDO:0700088.
Paroxysmal nonkinesigenic dyskinesia 1 (PNKD1). Also called: Familial Paroxysmal Nonkinesigenic Dyskinesia; Nonkinesigenic choreoathetosis; Familial paroxysmal choreoathetosis; MOUNT-REBACK SYNDROME; PAROXYSMAL DYSTONIC CHOREOATHETOSIS; PxMD-PNKD. Identifiers: Orphanet 98810, MedGen C4551506, MONDO:0700089, OMIM 118800, MONDO:0007326.

Allele frequency attached by ClinVar (database versions not stated): gnomAD 0.00070; TOPMed 0.00076; 1000 Genomes Project 0.00100; ExAC 0.00030; ESP Exome Variant Server 0.00085; 1000 Genomes Project 30x 0.00109.
gnomAD v4.1: 230 of 1,612,754 alleles (0.014%); highest among the groups gnomAD compares: African/African-American, 0.29%; no homozygotes.

Submissions (3):

Labcorp Genetics (formerly Invitae), Labcorp
Classification: Benign for Paroxysmal nonkinesigenic dyskinesia. Last evaluated: 2026-01-19. Review status: criteria provided, single submitter. Criteria: Invitae Variant Classification Sherloc (09022015). Collection method: clinical testing. Allele origin: germline.

GeneDx
Classification: Benign. Last evaluated: 2020-05-06. Review status: criteria provided, single submitter. Criteria: GeneDx Variant Classification Process June 2021. Collection method: clinical testing. Allele origin: germline. Affected: yes.

Illumina Laboratory Services, Illumina
Classification: Benign for Paroxysmal nonkinesigenic dyskinesia 1. Last evaluated: 2018-01-12. Review status: criteria provided, single submitter. Criteria: ICSL Variant Classification Criteria 13 December 2019. Collection method: clinical testing. Allele origin: germline.
Comment: This variant was observed in the ICSL laboratory as part of a predisposition screen in an ostensibly healthy population. It had not been previously curated by ICSL or reported in the Human Gene Mutation Database (HGMD: prior to June 1st, 2018), and was therefore a candidate for classification through an automated scoring system. Utilizing variant allele frequency, disease prevalence and penetrance estimates, and inheritance mode, an automated score was calculated to assess if this variant is too frequent to cause the disease. Based on the score and internal cut-off values, a variant classified as benign is not then subjected to further curation. The score for this variant resulted in a classification of benign for this disease.

NM_015488.5(PNKD):c.466-11C>T

Genes: CATIP-AS2 (CATIP antisense RNA 2; minus strand), PNKD (PNKD metallo-beta-lactamase domain containing; plus strand). Cytogenetic location: 2q35.
Variant type: single nucleotide variant.
Coding change: c.466-11C>T on transcript NM_015488.5 (MANE Select); 11 bases into the intron before coding-DNA position 466, C replaced by T.
Molecular consequence: intron variant.
Genome position (GRCh38, 1-based): chr2:218,340,717, C>T. VCF-style: chr2-218340717-C-T. GRCh37 (hg19) VCF-style: chr2-219205440-C-T.
Other names: c.394-11C>T (NM_022572.4).
Identifiers: ClinVar variation 334316 (VCV000334316.15), dbSNP rs142473649, ClinGen allele CA2103967.